The following is an entry in ClinVar:

ClinVar aggregate classification (germline): Uncertain significance (1 of 4 stars; one submission).

Conditions:
Emery-Dreifuss muscular dystrophy (EDMD). Also called: Scapuloperoneal syndrome, X-linked (formerly); Humeroperoneal neuromuscular disease, (formerly). Identifiers: Orphanet 261, MedGen C0410189, MONDO:0016830.

Submission:

Labcorp Genetics (formerly Invitae), Labcorp
Classification: Uncertain significance for Emery-Dreifuss muscular dystrophy. Last evaluated: 2020-04-14. Review status: criteria provided, single submitter. Criteria: Invitae Variant Classification Sherloc (09022015). Collection method: clinical testing. Allele origin: germline.
Comment: In summary, the available evidence is currently insufficient to determine the role of this variant in disease. Therefore, it has been classified as a Variant of Uncertain Significance. Algorithms developed to predict the effect of missense changes on protein structure and function (SIFT, PolyPhen-2, Align-GVGD) all suggest that this variant is likely to be tolerated, but these predictions have not been confirmed by published functional studies and their clinical significance is uncertain. This variant has not been reported in the literature in individuals with SUN1-related conditions. This variant is not present in population databases (ExAC no frequency). This sequence change replaces glutamine with glutamic acid at codon 375 of the SUN1 protein (p.Gln375Glu). The glutamine residue is moderately conserved and there is a small physicochemical difference between glutamine and glutamic acid.

NM_001130965.3(SUN1):c.1123C>G (p.Gln375Glu)

Gene: SUN1 (Sad1 and UNC84 domain containing 1; plus strand). Cytogenetic location: 7p22.3.
Variant type: single nucleotide variant.
Coding change: c.1123C>G on transcript NM_001130965.3 (MANE Select); coding-DNA position 1123, C replaced by G.
Protein change: p.Gln375Glu; replaces glutamine 375 with glutamic acid.
Molecular consequence: missense variant. On other transcripts: non-coding transcript variant (3).
Genome position (GRCh38, 1-based): chr7:853,478, C>G. VCF-style: chr7-853478-C-G. GRCh37 (hg19) VCF-style: chr7-893115-C-G.
Other names: c.1366C>G, p.Gln456Glu (NM_001367655.1, NM_001367666.1); c.409C>G, p.Gln137Glu (NM_001367658.1); c.973C>G, p.Gln325Glu (NM_001367660.1, NM_001367670.1); c.970C>G, p.Gln324Glu (NM_001367662.1, NM_001367671.1); c.1234C>G, p.Gln412Glu (NM_001367664.1, NM_001367685.1, NM_001367696.1); c.1120C>G, p.Gln374Glu (NM_001367665.1, NM_001367694.1); c.1084C>G, p.Gln362Glu (NM_001367667.1, NM_001367689.1, NM_001367645.1); c.1165C>G, p.Gln389Glu (NM_001367668.1, NM_001367647.1); and 38 more; short protein forms Q137E, Q186E, Q222E, Q258E, Q272E, Q292E, Q319E, Q324E.
Identifiers: ClinVar variation 1005701 (VCV001005701.8), dbSNP rs1824133471, ClinGen allele CA366531231.